The following is an entry in ClinVar:

ClinVar aggregate classification (germline): Benign (1 of 4 stars; one submission).

Conditions:
Cone dystrophy 3 (COD3). Also called: RETINAL CONE DYSTROPHY. Identifiers: Orphanet 1872, MedGen C1865869, MONDO:0011193, OMIM 602093.

Allele frequency attached by ClinVar (database versions not stated): gnomAD exomes 0.00347; TOPMed 0.02570; gnomAD 0.02610; 1000 Genomes Project 0.02696; 1000 Genomes Project 30x 0.02780.

Submission:

Illumina Laboratory Services, Illumina
Classification: Benign for Cone dystrophy 3. Last evaluated: 2018-01-12. Review status: criteria provided, single submitter. Criteria: ICSL Variant Classification Criteria 13 December 2019. Collection method: clinical testing. Allele origin: germline.
Comment: This variant was observed in the ICSL laboratory as part of a predisposition screen in an ostensibly healthy population. It had not been previously curated by ICSL or reported in the Human Gene Mutation Database (HGMD: prior to June 1st, 2018), and was therefore a candidate for classification through an automated scoring system. Utilizing variant allele frequency, disease prevalence and penetrance estimates, and inheritance mode, an automated score was calculated to assess if this variant is too frequent to cause the disease. Based on the score and internal cut-off values, a variant classified as benign is not then subjected to further curation. The score for this variant resulted in a classification of benign for this disease.

NM_001384910.1(GUCA1A):c.*479C>T

Genes: GUCA1ANB-GUCA1A (GUCA1ANB-GUCA1A readthrough; plus strand), GUCA1A (guanylate cyclase activator 1A; plus strand). Cytogenetic location: 6p21.1.
Variant type: single nucleotide variant.
Coding change: c.*479C>T on transcript NM_001384910.1 (MANE Select); 479 bases downstream of the stop codon, C replaced by T.
Molecular consequence: 3 prime UTR variant.
Genome position (GRCh38, 1-based): chr6:42,179,882, C>T. VCF-style: chr6-42179882-C-T. GRCh37 (hg19) VCF-style: chr6-42147620-C-T.
Other names: c.*479C>T (NM_000409.5, NM_001319061.2, NM_001319062.2).
Identifiers: ClinVar variation 356697 (VCV000356697.6), dbSNP rs6899575, ClinGen allele CA10623879.